The following is an entry in ClinVar:

ClinVar aggregate classification (germline): Uncertain significance. Review status: criteria provided, multiple submitters, no conflicts (2 of 4 stars). 2 submissions from 2 submitters: Uncertain significance (2). Last evaluated 2025-09-22.

Conditions:
Neurofibromatosis, type 1 (NF1). Also called: NEUROFIBROMATOSIS, TYPE I, SOMATIC; Neurofibromatosis, type I; Peripheral type neurofibromatosis; VON RECKLINGHAUSEN DISEASE. Identifiers: Orphanet 636, MedGen C0027831, MONDO:0018975, OMIM 162200. Disease mechanism: loss of function.
Hereditary cancer-predisposing syndrome. Also called: Hereditary Cancer Syndrome; Hereditary neoplastic syndrome; Neoplastic Syndromes, Hereditary; Tumor predisposition. Identifiers: Orphanet 140162, MedGen C0027672, MeSH D009386, MONDO:0015356.
Cardiovascular phenotype. Identifiers: MedGen CN230736.

Submissions (2):

Labcorp Genetics (formerly Invitae), Labcorp
Classification: Uncertain significance for Neurofibromatosis, type 1. Last evaluated: 2025-09-22. Review status: criteria provided, single submitter. Criteria: Invitae Variant Classification Sherloc (09022015). Collection method: clinical testing. Allele origin: germline.
Comment: This sequence change replaces phenylalanine, which is neutral and non-polar, with cysteine, which is neutral and slightly polar, at codon 2367 of the NF1 protein (p.Phe2367Cys). This variant is not present in population databases (gnomAD no frequency). This variant has not been reported in the literature in individuals affected with NF1-related conditions. ClinVar contains an entry for this variant (Variation ID: 3404727). Invitae Evidence Modeling of protein sequence and biophysical properties (such as structural, functional, and spatial information, amino acid conservation, physicochemical variation, residue mobility, and thermodynamic stability) indicates that this missense variant is expected to disrupt NF1 protein function with a positive predictive value of 95%. In summary, the available evidence is currently insufficient to determine the role of this variant in disease. Therefore, it has been classified as a Variant of Uncertain Significance.

Ambry Genetics
Classification: Uncertain significance for Cardiovascular phenotype; Hereditary cancer-predisposing syndrome. Last evaluated: 2024-09-01. Review status: criteria provided, single submitter. Criteria: Ambry Variant Classification Scheme 2023. Collection method: clinical testing. Allele origin: germline.
Comment: The p.F2367C variant (also known as c.7100T>G), located in coding exon 47 of the NF1 gene, results from a T to G substitution at nucleotide position 7100. The phenylalanine at codon 2367 is replaced by cysteine, an amino acid with highly dissimilar properties. This amino acid position is conserved. In addition, this alteration is predicted to be deleterious by in silico analysis. Based on the available evidence, the clinical significance of this variant remains unclear.

NM_001042492.3(NF1):c.7163T>G (p.Phe2388Cys)

Gene: NF1 (neurofibromin 1; plus strand). Cytogenetic location: 17q11.2.
Variant type: single nucleotide variant.
Coding change: c.7163T>G on transcript NM_001042492.3 (MANE Select); coding-DNA position 7163, T replaced by G.
Protein change: p.Phe2388Cys; replaces phenylalanine 2388 with cysteine.
Molecular consequence: missense variant.
Genome position (GRCh38, 1-based): chr17:31,343,109, T>G. VCF-style: chr17-31343109-T-G. GRCh37 (hg19) VCF-style: chr17-29670127-T-G.
Other names: c.7100T>G, p.Phe2367Cys (NM_000267.4); short protein forms F2367C, F2388C.
Identifiers: ClinVar variation 3404727 (VCV003404727.2).